The following is an entry in ClinVar:

ClinVar aggregate classification (germline): Benign/Likely benign. Review status: criteria provided, multiple submitters, no conflicts (2 of 4 stars). 6 submissions from 6 submitters: Benign (4); Likely benign (1). 1 of the submissions does not count toward it. Last evaluated 2026-02-01.

Conditions:
ZAP70-related disorder. Also called: ZAP70-related condition.
Combined immunodeficiency due to ZAP70 deficiency (IMD48). Also called: ZAP70 Deficiency; Immunodeficiency 48. Identifiers: Orphanet 911, MedGen C2931299, MONDO:0010023, OMIM 269840.

Allele frequency attached by ClinVar (database versions not stated): 1000 Genomes Project 30x 0.00422; gnomAD exomes 0.00035 and 0.00084; gnomAD 0.00335 and 0.00358; 1000 Genomes Project 0.00419; ExAC 0.00123; ESP Exome Variant Server 0.00484; TOPMed 0.00377.
gnomAD v4.1: 1,043 of 1,613,912 alleles (0.065%); highest among the groups gnomAD compares: African/African-American, 1.2%; 4 homozygotes.

Submissions (6):

Labcorp Genetics (formerly Invitae), Labcorp
Classification: Benign for Combined immunodeficiency due to ZAP70 deficiency. Last evaluated: 2026-02-01. Review status: criteria provided, single submitter. Criteria: Invitae Variant Classification Sherloc (09022015). Collection method: clinical testing. Allele origin: germline.

Blueprint Genetics
Classification: Likely benign. Last evaluated: 2024-10-07. Review status: criteria provided, single submitter. Criteria: ACMG Guidelines, 2015. Collection method: clinical testing. Allele origin: germline.

Women's Health and Genetics/Laboratory Corporation of America, LabCorp
Classification: Benign. Last evaluated: 2024-02-27. Review status: criteria provided, single submitter. Criteria: LabCorp Variant Classification Summary - May 2015. Collection method: clinical testing. Allele origin: germline.

Illumina Laboratory Services, Illumina
Classification: Benign for Combined immunodeficiency due to ZAP70 deficiency. Last evaluated: 2018-01-13. Review status: criteria provided, single submitter. Criteria: ICSL Variant Classification Criteria 13 December 2019. Collection method: clinical testing. Allele origin: germline.
Comment: This variant was observed in the ICSL laboratory as part of a predisposition screen in an ostensibly healthy population. It had not been previously curated by ICSL or reported in the Human Gene Mutation Database (HGMD: prior to June 1st, 2018), and was therefore a candidate for classification through an automated scoring system. Utilizing variant allele frequency, disease prevalence and penetrance estimates, and inheritance mode, an automated score was calculated to assess if this variant is too frequent to cause the disease. Based on the score and internal cut-off values, a variant classified as benign is not then subjected to further curation. The score for this variant resulted in a classification of benign for this disease.

Breakthrough Genomics
Classification: Benign. Review status: criteria provided, single submitter. Criteria: ACMG Guidelines, 2015. Collection method: not provided. Allele origin: germline. Inheritance: Autosomal recessive inheritance. Affected: yes.

PreventionGenetics, part of Exact Sciences
Classification: Benign for ZAP70-related condition. Last evaluated: 2019-06-17. Review status: no assertion criteria provided. Collection method: clinical testing. Allele origin: germline. Not counted in ClinVar's aggregate classification.
Comment: This variant is classified as benign based on ACMG/AMP sequence variant interpretation guidelines (Richards et al. 2015 PMID: 25741868, with internal and published modifications).

NM_001079.4(ZAP70):c.531T>C (p.Leu177=)

Gene: ZAP70 (zeta chain of T cell receptor associated protein kinase 70; plus strand). Cytogenetic location: 2q11.2.
Variant type: single nucleotide variant.
Coding change: c.531T>C on transcript NM_001079.4 (MANE Select); coding-DNA position 531, T replaced by C.
Protein change: p.Leu177=; no amino-acid change (leucine 177 retained).
Molecular consequence: synonymous variant.
Genome position (GRCh38, 1-based): chr2:97,725,220, T>C. VCF-style: chr2-97725220-T-C. GRCh37 (hg19) VCF-style: chr2-98341683-T-C.
Other names: c.531T>C, p.Leu177= (NM_001378594.1).
Identifiers: ClinVar variation 471242 (VCV000471242.20), dbSNP rs115846138, ClinGen allele CA1790112.